The following is an entry in ClinVar:

ClinVar aggregate classification (germline): Uncertain significance (1 of 4 stars; one submission).

Submission:

Labcorp Genetics (formerly Invitae), Labcorp
Classification: Uncertain significance. Last evaluated: 2022-03-26. Review status: criteria provided, single submitter. Criteria: Invitae Variant Classification Sherloc (09022015). Collection method: clinical testing. Allele origin: germline.
Comment: This variant is not present in population databases (gnomAD no frequency). In summary, the available evidence is currently insufficient to determine the role of this variant in disease. Therefore, it has been classified as a Variant of Uncertain Significance. Algorithms developed to predict the effect of missense changes on protein structure and function are either unavailable or do not agree on the potential impact of this missense change (SIFT: "Deleterious"; PolyPhen-2: "Probably Damaging"; Align-GVGD: "Class C0"). This variant has not been reported in the literature in individuals affected with SAMD9-related conditions. This sequence change replaces arginine, which is basic and polar, with glycine, which is neutral and non-polar, at codon 1533 of the SAMD9 protein (p.Arg1533Gly).

NM_017654.4(SAMD9):c.4597C>G (p.Arg1533Gly)

Gene: SAMD9 (sterile alpha motif domain containing 9; minus strand). Cytogenetic location: 7q21.2.
Variant type: single nucleotide variant.
Coding change: c.4597C>G on transcript NM_017654.4 (MANE Select); coding-DNA position 4597, C replaced by G.
Protein change: p.Arg1533Gly; replaces arginine 1533 with glycine.
Molecular consequence: missense variant.
Genome position (GRCh38, 1-based): chr7:93,101,501, G>C on the plus strand (C>G on the coding strand, the complement: SAMD9 is on the minus strand). VCF-style: chr7-93101501-G-C. GRCh37 (hg19) VCF-style: chr7-92730814-G-C.
Other names: c.4597C>G, p.Arg1533Gly (NM_001193307.2); short protein forms R1533G.
Identifiers: ClinVar variation 2117532 (VCV002117532.4), dbSNP rs375396225, ClinGen allele CA368177291.
Genomic context (GRCh38, chr7:93,101,501, plus strand): 5'-TGGGTATTGTGATTTTTTCATTGATTCCATATTCTATATATAAACAATTGTTTTCAGCTC[G>C]ACCTTGTAAACGAAGCAAAAGTTCTTGGACTTTTTCCTCCTTCCACACATCTCCACTCTG-3'
Protein context (NP_060124.2, residues 1523-1543): VQELLLRLQG[Arg1533Gly]AENNCLYIEY